The following is an entry in ClinVar:

NM_006180.6(NTRK2):c.1965G>C (p.Met655Ile)

Gene: NTRK2 (neurotrophic receptor tyrosine kinase 2; plus strand). Cytogenetic location: 9q21.33.
Variant type: single nucleotide variant.
Coding change: c.1965G>C on transcript NM_006180.6 (MANE Select); coding-DNA position 1965, G replaced by C.
Protein change: p.Met655Ile; replaces methionine 655 with isoleucine.
Molecular consequence: missense variant.
Genome position (GRCh38, 1-based): chr9:84,955,310, G>C. VCF-style: chr9-84955310-G-C. GRCh37 (hg19) VCF-style: chr9-87570225-G-C.
Other names: c.1917G>C, p.Met639Ile (NM_001018064.3, NM_001369532.1, NM_001369533.1); c.1881G>C, p.Met627Ile (NM_001369534.1); c.1449G>C, p.Met483Ile (NM_001369535.1); c.1497G>C, p.Met499Ile (NM_001369536.1); short protein forms M483I, M499I, M627I, M639I, M655I.
Identifiers: ClinVar variation 3774260 (VCV003774260.1).
Genomic context (GRCh38, chr9:84,955,310, plus strand): 5'-GCCCCCAGCTTCATTCTCCATGTCCTTCCCCAGGGCACACGGCCCTGATGCCGTGCTGAT[G>C]GCTGAGGGCAACCCGCCCACGGAACTGACGCAGTCGCAGATGCTGCATATAGCCCAGCAG-3'
Protein context (NP_006171.2, residues 645-665): LRAHGPDAVL[Met655Ile]AEGNPPTELT

ClinVar aggregate classification (germline): Uncertain significance (1 of 4 stars; one submission).

Submission:

GeneDx
Classification: Uncertain significance. Last evaluated: 2024-09-20. Review status: criteria provided, single submitter. Criteria: GeneDx Variant Classification Process June 2021. Collection method: clinical testing. Allele origin: germline. Affected: yes.
Comment: Not observed at significant frequency in large population cohorts (gnomAD); In silico analysis indicates that this missense variant does not alter protein structure/function; Has not been previously published as pathogenic or benign to our knowledge